The following is an entry in ClinVar:

ClinVar aggregate classification (germline): Uncertain significance. Review status: criteria provided, multiple submitters, no conflicts (2 of 4 stars). 3 submissions from 3 submitters: Uncertain significance (3). Last evaluated 2025-01-15.

Conditions:
Hereditary cancer-predisposing syndrome. Also called: Hereditary neoplastic syndrome; Neoplastic Syndromes, Hereditary; Tumor predisposition; Hereditary Cancer Syndrome. Identifiers: Orphanet 140162, MedGen C0027672, MeSH D009386, MONDO:0015356.
Neuroblastoma, susceptibility to, 3. Also called: ALK-Related Neuroblastic Tumor Susceptibility. Identifiers: Orphanet 635, MedGen C2751681, MONDO:0013083, OMIM 613014.

Submissions (3):

Labcorp Genetics (formerly Invitae), Labcorp
Classification: Uncertain significance for Neuroblastoma, susceptibility to, 3. Last evaluated: 2025-01-15. Review status: criteria provided, single submitter. Criteria: Invitae Variant Classification Sherloc (09022015). Collection method: clinical testing. Allele origin: germline.
Comment: This sequence change replaces glutamic acid, which is acidic and polar, with threonine, which is neutral and polar, at codon 1161 of the ALK protein (p.Glu1161Thr). The frequency data for this variant in the population databases is considered unreliable, as metrics indicate poor data quality at this position in the gnomAD database. This variant has not been reported in the literature in individuals affected with ALK-related conditions. ClinVar contains an entry for this variant (Variation ID: 470830). An algorithm developed to predict the effect of missense changes on protein structure and function (PolyPhen-2) suggests that this variant is likely to be disruptive. In summary, the available evidence is currently insufficient to determine the role of this variant in disease. Therefore, it has been classified as a Variant of Uncertain Significance.

Baylor Genetics
Classification: Uncertain significance for Neuroblastoma, susceptibility to, 3. Last evaluated: 2024-02-16. Review status: criteria provided, single submitter. Criteria: ACMG Guidelines, 2015. Collection method: clinical testing. Allele origin: unknown.

Ambry Genetics
Classification: Uncertain significance for Hereditary cancer-predisposing syndrome. Last evaluated: 2023-11-15. Review status: criteria provided, single submitter. Criteria: Ambry Variant Classification Scheme 2023. Collection method: clinical testing. Allele origin: germline.
Comment: The c.3481_3482delGAinsAC variant, located in coding exon 22 of the ALK gene, results from an in-frame deletion of GA and insertion of AC at nucleotide positions 3481 to 3482. This results in the substitution of the glutamic acid residue for a threonine residue at codon 1161, an amino acid with similar properties. This amino acid position is highly conserved in available vertebrate species. In addition, the in silico prediction for this alteration is inconclusive (Choi Y et al. PLoS ONE. 2012; 7(10):e46688). Since supporting evidence is limited at this time, the clinical significance of this alteration remains unclear.

NM_004304.5(ALK):c.3481_3482delinsAC (p.Glu1161Thr)

Gene: ALK (ALK receptor tyrosine kinase; minus strand). Cytogenetic location: 2p23.2.
Variant type: Indel.
Coding change: c.3481_3482delinsAC on transcript NM_004304.5 (MANE Select); coding-DNA positions 3481 to 3482, GA replaced by AC.
Protein change: p.Glu1161Thr; replaces glutamic acid 1161 with threonine.
Molecular consequence: missense variant.
Genome position (GRCh38, 1-based): chr2:29,222,377-29,222,378, TC replaced by GT on the plus strand (GA replaced by AC on the coding strand, the reverse complement: ALK is on the minus strand). VCF-style: chr2-29222377-TC-GT. GRCh37 (hg19) VCF-style: chr2-29445243-TC-GT.
Other names: c.3481_3482delinsAC (NM_004304.4); c.277_278delinsAC, p.Glu93Thr (NM_001353765.2); short protein forms E93T, E1161T.
Identifiers: ClinVar variation 470830 (VCV000470830.14), dbSNP rs1553394207, ClinGen allele CA658655647.
Genomic context (GRCh38, chr2:29,222,377, plus strand): 5'-GGTGAGGGTGTCTCTCTGTGGCTTTACCTGATGATCAGGGCTTCCATGAGGAAATCCAGT[TC>GT]GTCCTGTTCAGAGCACACTTCAGGCAGCGTCTGGGCAGAGAAGGGGAGGGTGGGGAGGAG-3'
Protein context (NP_004295.2, residues 1151-1171): TLPEVCSEQD[Glu1161Thr]LDFLMEALII